The following is an entry in ClinVar:

NM_021930.6(RINT1):c.306A>T (p.Arg102Ser)

Gene: RINT1 (RAD50 interactor 1; plus strand). Cytogenetic location: 7q22.3.
Variant type: single nucleotide variant.
Coding change: c.306A>T on transcript NM_021930.6 (MANE Select); coding-DNA position 306, A replaced by T.
Protein change: p.Arg102Ser; replaces arginine 102 with serine.
Molecular consequence: missense variant. On other transcripts: 5 prime UTR variant (3), non-coding transcript variant (1).
Genome position (GRCh38, 1-based): chr7:105,542,440, A>T. VCF-style: chr7-105542440-A-T. GRCh37 (hg19) VCF-style: chr7-105182887-A-T.
Other names: c.72A>T, p.Arg24Ser (NM_001346599.2); c.-714A>T (NM_001346600.2); c.-617A>T (NM_001346601.2); c.-237A>T (NM_001346603.2); short protein forms R24S, R102S.
Identifiers: ClinVar variation 3433571 (VCV003433571.1).
Genomic context (GRCh38, chr7:105,542,440, plus strand): 5'-TTTCTTTCTTTTTTAAAATTATGGTCAGGTACTTACAATTTCATCAGAAATTCCTAAAAG[A>T]ATTCGAAGTGCCTTAAAAAATGCAGAAGAATCAAAGCAATTTCTTAATCAGTTTCTGGAG-3'
Protein context (NP_068749.3, residues 92-112): VLTISSEIPK[Arg102Ser]IRSALKNAEE

ClinVar aggregate classification (germline): Uncertain significance (1 of 4 stars; one submission).

Submission:

Ambry Genetics
Classification: Uncertain significance. Last evaluated: 2024-09-15. Review status: criteria provided, single submitter. Criteria: Ambry Variant Classification Scheme 2023. Collection method: clinical testing. Allele origin: germline.
Comment: The p.R102S variant (also known as c.306A>T), located in coding exon 4 of the RINT1 gene, results from an A to T substitution at nucleotide position 306. The arginine at codon 102 is replaced by serine, an amino acid with dissimilar properties. This amino acid position is conserved. In addition, this alteration is predicted to be tolerated by in silico analysis. Based on the available evidence, the clinical significance of this variant remains unclear.